The following is an entry in ClinVar:

NM_001232.4(CASQ2):c.449G>A (p.Ser150Asn)

Gene: CASQ2 (calsequestrin 2; minus strand). Cytogenetic location: 1p13.1.
Variant type: single nucleotide variant.
Coding change: c.449G>A on transcript NM_001232.4 (MANE Select); coding-DNA position 449, G replaced by A.
Protein change: p.Ser150Asn; replaces serine 150 with asparagine.
Molecular consequence: missense variant.
Genome position (GRCh38, 1-based): chr1:115,738,307, C>T on the plus strand (G>A on the coding strand, the complement: CASQ2 is on the minus strand). VCF-style: chr1-115738307-C-T. GRCh37 (hg19) VCF-style: chr1-116280928-C-T.
Other names: short protein forms S150N.
Identifiers: ClinVar variation 4805604 (VCV004805604.1).

ClinVar aggregate classification (germline): Uncertain significance (1 of 4 stars; one submission).

Conditions:
Catecholaminergic polymorphic ventricular tachycardia 1. Also called: VENTRICULAR TACHYCARDIA, STRESS-INDUCED POLYMORPHIC 1; VENTRICULAR TACHYCARDIA, CATECHOLAMINERGIC POLYMORPHIC, 1, WITH OR WITHOUT ATRIAL DYSFUNCTION AND/OR DILATED CARDIOMYOPATHY; RYR2-Related Catecholaminergic Polymorphic Ventricular Tachycardia. Identifiers: Orphanet 3286, MedGen C1631597, MONDO:0011484, OMIM 604772.

Submission:

Labcorp Genetics (formerly Invitae), Labcorp
Classification: Uncertain significance for Catecholaminergic polymorphic ventricular tachycardia 1. Last evaluated: 2025-08-03. Review status: criteria provided, single submitter. Criteria: Invitae Variant Classification Sherloc (09022015). Collection method: clinical testing. Allele origin: germline.
Comment: This sequence change replaces serine, which is neutral and polar, with asparagine, which is neutral and polar, at codon 150 of the CASQ2 protein (p.Ser150Asn). This variant is not present in population databases (gnomAD no frequency). This variant has not been reported in the literature in individuals affected with CASQ2-related conditions. An algorithm developed to predict the effect of missense changes on protein structure and function outputs the following: PolyPhen-2: "Benign". The asparagine amino acid residue is found in multiple mammalian species, which suggests that this missense change does not adversely affect protein function. In summary, the available evidence is currently insufficient to determine the role of this variant in disease. Therefore, it has been classified as a Variant of Uncertain Significance.